The following is an entry in ClinVar:

NM_000518.5(HBB):c.223G>A (p.Gly75Ser)

Genes: HBB (hemoglobin subunit beta; minus strand), LOC106099062 (HBB recombination region; plus strand), LOC107133510 (origin of replication at HBB; plus strand). Cytogenetic location: 11p15.4.
Variant type: single nucleotide variant.
Coding change: c.223G>A on transcript NM_000518.5 (MANE Select); coding-DNA position 223, G replaced by A.
Protein change: p.Gly75Ser; replaces glycine 75 with serine.
Molecular consequence: missense variant.
Genome position (GRCh38, 1-based): chr11:5,226,669, C>T on the plus strand (G>A on the coding strand, the complement: HBB is on the minus strand). VCF-style: chr11-5226669-C-T. GRCh37 (hg19) VCF-style: chr11-5247899-C-T.
Other names: short protein forms G75S.
Identifiers: ClinVar variation 495982 (VCV000495982.7), dbSNP rs33916541, ClinGen allele CA5839746.

ClinVar aggregate classification (germline): Uncertain significance. Review status: criteria provided, multiple submitters, no conflicts (2 of 4 stars). 3 submissions from 3 submitters: Uncertain significance (2). 1 of the submissions does not count toward it. Last evaluated 2024-09-28.

Conditions:
beta Thalassemia (BTHAL). Also called: Cooley's anemia; Erythroblastic anemia; Mediterranean anemia. Identifiers: Orphanet 848, MedGen C0005283, MONDO:0019402. Disease mechanism: loss of function.

Allele frequency attached by ClinVar (database versions not stated): ExAC 0.00002; gnomAD 0.00002; TOPMed 0.00001; gnomAD exomes 0.00001.

Submissions (3):

Quest Diagnostics Nichols Institute San Juan Capistrano
Classification: Uncertain significance. Last evaluated: 2024-09-28. Review status: criteria provided, single submitter. Criteria: Quest Diagnostics criteria. Collection method: clinical testing. Allele origin: unknown.
Comment: The HBB c.223G>A (p.Gly75Ser) variant has been reported in the published literature in individuals with normal hematological indices (PMID: 18603555 (2008)), as well as in individuals predicted to be carriers of beta-thalassemia (PMIDs: 21353607 (2011) and 18486569 (2008)). While the variant is described as having normal stability, heterozygosity for this variant is associated with mild hemolytic anemia and reticulocytosis (HbVar). The frequency of this variant in the general population, 0.000031 (4/129152 chromosomes (Genome Aggregation Database)), is uninformative in the assessment of its pathogenicity. Analysis of this variant using bioinformatics tools for the prediction of the effect of amino acid changes on protein structure and function yielded predictions that this variant is damaging. Based on the available information, we are unable to determine the clinical significance of this variant.

Women's Health and Genetics/Laboratory Corporation of America, LabCorp
Classification: Uncertain significance. Last evaluated: 2019-09-09. Review status: criteria provided, single submitter. Criteria: LabCorp Variant Classification Summary - May 2015. Collection method: clinical testing. Allele origin: germline.
Comment: Variant summary: HBB c.223G>A (p.Gly75Ser) results in a non-conservative amino acid change located in the Globin domain (IPR000971) of the encoded protein sequence. Five of five in-silico tools predict a damaging effect of the variant on protein function. The variant allele was found at a frequency of 1.2e-05 in 251428 control chromosomes (gnomAD). The available data on variant occurrences in the general population are insufficient to allow any conclusion about variant significance. c.223G>A has been reported in the literature in individuals predicted to be carriers for beta-thalassemia (Giambona_2008,2011, Mosca_2008), however, to our knowledge, the variant has not been reported in individuals affected by the disease. These reports do not provide unequivocal conclusions about association of the variant with Hemoglobinopathy. To our knowledge, no experimental evidence demonstrating an impact on protein function has been reported. No other clinical diagnostic laboratories have submitted clinical-significance assessments for this variant to ClinVar after 2014. Based on the evidence outlined above, the variant was classified as uncertain significance.

Natera, Inc.
Classification: Uncertain significance for Beta thalassemia. Last evaluated: 2020-09-16. Review status: no assertion criteria provided. Collection method: clinical testing. Allele origin: germline. Not counted in ClinVar's aggregate classification.

Literature cited by the submitters: PubMed 21353607 (cited by Quest Diagnostics Nichols Institute San Juan Capistrano and Women's Health and Genetics/Laboratory Corporation of America, LabCorp); PubMed 18486569 (cited by Quest Diagnostics Nichols Institute San Juan Capistrano and Women's Health and Genetics/Laboratory Corporation of America, LabCorp); PubMed 18603555 (cited by Quest Diagnostics Nichols Institute San Juan Capistrano and Women's Health and Genetics/Laboratory Corporation of America, LabCorp); PubMed 17932132 (cited by Quest Diagnostics Nichols Institute San Juan Capistrano and Women's Health and Genetics/Laboratory Corporation of America, LabCorp).